The following is an entry in ClinVar:

NM_006060.6(IKZF1):c.997A>G (p.Thr333Ala)

Gene: IKZF1 (IKAROS family zinc finger 1; plus strand). Cytogenetic location: 7p12.2.
Variant type: single nucleotide variant.
Coding change: c.997A>G on transcript NM_006060.6 (MANE Select); coding-DNA position 997, A replaced by G.
Protein change: p.Thr333Ala; replaces threonine 333 with alanine.
Molecular consequence: missense variant.
Genome position (GRCh38, 1-based): chr7:50,400,064, A>G. VCF-style: chr7-50400064-A-G. GRCh37 (hg19) VCF-style: chr7-50467762-A-G.
Other names: c.871A>G, p.Thr291Ala (NM_001220765.3, NM_001291837.2); c.706A>G, p.Thr236Ala (NM_001220767.2); c.736A>G, p.Thr246Ala (NM_001220768.2, NM_001291838.2); c.580A>G, p.Thr194Ala (NM_001220770.2); c.568A>G, p.Thr190Ala (NM_001220771.2, NM_001291841.1); c.610A>G, p.Thr204Ala (NM_001291839.2); c.307A>G, p.Thr103Ala (NM_001291840.1); c.538A>G, p.Thr180Ala (NM_001291842.1); and 3 more; short protein forms T246A, T190A, T204A, T103A, T148A, T180A, T236A, T291A.
Identifiers: ClinVar variation 2152032 (VCV002152032.4), dbSNP rs376657964, ClinGen allele CA4261442.
Genomic context (GRCh38, chr7:50,400,064, plus strand): 5'-CAAGCCATCAACAACGCCATCAACTACCTGGGGGCCGAGTCCCTGCGCCCGCTGGTGCAG[A>G]CGCCCCCGGGCGGTTCCGAGGTGGTCCCGGTCATCAGCCCGATGTACCAGCTGCACAAGC-3'
Protein context (NP_006051.1, residues 323-343): GAESLRPLVQ[Thr333Ala]PPGGSEVVPV

ClinVar aggregate classification (germline): Uncertain significance (1 of 4 stars; one submission).

Allele frequency attached by ClinVar (database versions not stated): TOPMed 0.00006; gnomAD 0.00007; ESP Exome Variant Server 0.00008; ExAC 0.00010; gnomAD exomes 0.00010.
gnomAD v4.1: 152 of 1,598,696 alleles (0.0095%); highest among the groups gnomAD compares: Non-Finnish European, 0.013%; no homozygotes.

Submission:

Labcorp Genetics (formerly Invitae), Labcorp
Classification: Uncertain significance. Last evaluated: 2025-07-27. Review status: criteria provided, single submitter. Criteria: Invitae Variant Classification Sherloc (09022015). Collection method: clinical testing. Allele origin: germline.
Comment: This sequence change replaces threonine, which is neutral and polar, with alanine, which is neutral and non-polar, at codon 333 of the IKZF1 protein (p.Thr333Ala). This variant is present in population databases (rs376657964, gnomAD 0.01%). This variant has not been reported in the literature in individuals affected with IKZF1-related conditions. ClinVar contains an entry for this variant (Variation ID: 2152032). Algorithms developed to predict the effect of variants on gene product structure and function are not available or were not evaluated for this variant. Experimental studies have shown that this missense change affects IKZF1 function (PMID: 29681510). In summary, the available evidence is currently insufficient to determine the role of this variant in disease. Therefore, it has been classified as a Variant of Uncertain Significance.

Literature cited by the submitters: PubMed 29681510.